The following is an entry in ClinVar:

NM_001267550.2(TTN):c.66378T>C (p.Tyr22126=)

Genes: TTN (titin; minus strand), TTN-AS1 (TTN antisense RNA 1; plus strand). Cytogenetic location: 2q31.2.
Variant type: single nucleotide variant.
Coding change: c.66378T>C on transcript NM_001267550.2 (MANE Select); coding-DNA position 66378, T replaced by C.
Protein change: p.Tyr22126=; no amino-acid change (tyrosine 22126 retained).
Molecular consequence: synonymous variant.
Genome position (GRCh38, 1-based): chr2:178,581,991, A>G on the plus strand (T>C on the coding strand, the complement: TTN is on the minus strand). VCF-style: chr2-178581991-A-G. GRCh37 (hg19) VCF-style: chr2-179446718-A-G.
Other names: c.61455T>C, p.Tyr20485= (NM_001256850.1); c.39183T>C, p.Tyr13061= (NM_003319.4); c.58674T>C, p.Tyr19558= (NM_133378.4); c.39558T>C, p.Tyr13186= (NM_133432.3); c.39759T>C, p.Tyr13253= (NM_133437.4).
Identifiers: ClinVar variation 3763538 (VCV003763538.3).

ClinVar aggregate classification (germline): Likely benign. Review status: criteria provided, multiple submitters, no conflicts (2 of 4 stars). 2 submissions from 2 submitters: Likely benign (2). Last evaluated 2026-05-15.

Conditions:
TTN-related disorder. Also called: TTN-related disorders; TTN-related condition; TTN-related disease.
Dilated cardiomyopathy 1G (CMD1G). Identifiers: Orphanet 154, MedGen C1858763, MONDO:0011400, OMIM 604145.
Autosomal recessive limb-girdle muscular dystrophy type 2J (LGMDR10). Also called: Limb-girdle muscular dystrophy, type 2J; MUSCULAR DYSTROPHY, LIMB-GIRDLE, AUTOSOMAL RECESSIVE 10. Identifiers: Orphanet 140922, MedGen C1837342, MONDO:0012127, OMIM 608807.

Submissions (2):

PreventionGenetics, part of Exact Sciences
Classification: Likely benign for TTN-related condition. Last evaluated: 2026-05-15. Review status: criteria provided, single submitter. Criteria: ACMG Guidelines, 2015. Collection method: clinical testing. Allele origin: germline.
Comment: This variant is classified as likely benign based on ACMG/AMP sequence variant interpretation guidelines (Richards et al. 2015 PMID: 25741868, with internal and published modifications).

Labcorp Genetics (formerly Invitae), Labcorp
Classification: Likely benign for Dilated cardiomyopathy 1G; Autosomal recessive limb-girdle muscular dystrophy type 2J. Last evaluated: 2024-08-15. Review status: criteria provided, single submitter. Criteria: Invitae Variant Classification Sherloc (09022015). Collection method: clinical testing. Allele origin: germline.